The following is an entry in ClinVar:

ClinVar aggregate classification (germline): Benign/Likely benign. Review status: criteria provided, multiple submitters, no conflicts (2 of 4 stars). 4 submissions from 4 submitters: Benign (1); Likely benign (3). Last evaluated 2025-12-31.

Conditions:
Hereditary cancer-predisposing syndrome. Also called: Tumor predisposition; Hereditary Cancer Syndrome; Hereditary neoplastic syndrome; Neoplastic Syndromes, Hereditary. Identifiers: Orphanet 140162, MedGen C0027672, MeSH D009386, MONDO:0015356.
Peutz-Jeghers syndrome (PJS). Also called: POLYPOSIS, HAMARTOMATOUS INTESTINAL; POLYPS-AND-SPOTS SYNDROME; Peutz-Jeghers polyposis; Periorificial lentiginosis syndrome. Identifiers: Orphanet 2869, MedGen C0031269, MeSH D010580, MONDO:0008280, OMIM 175200.

Allele frequency attached by ClinVar (database versions not stated): gnomAD exomes below 0.00001; gnomAD 0.00001; TOPMed 0.00001.
gnomAD v4.1: 3 of 1,561,640 alleles (0.00019%); highest among the groups gnomAD compares: African/African-American, 0.0041%; no homozygotes.

Submissions (4):

Labcorp Genetics (formerly Invitae), Labcorp
Classification: Likely benign for Peutz-Jeghers syndrome. Last evaluated: 2025-12-31. Review status: criteria provided, single submitter. Criteria: Invitae Variant Classification Sherloc (09022015). Collection method: clinical testing. Allele origin: germline.

Myriad Genetics, Inc.
Classification: Benign for Peutz-Jeghers syndrome. Last evaluated: 2025-03-28. Review status: criteria provided, single submitter. Criteria: Myriad Autosomal Dominant, Autosomal Recessive and X-Linked Classification Criteria (2023). Collection method: clinical testing. Allele origin: unknown.
Comment: This variant is considered benign. This variant is a silent/synonymous amino acid change and it is not expected to impact splicing.

Ambry Genetics
Classification: Likely benign for Hereditary cancer-predisposing syndrome. Last evaluated: 2021-06-06. Review status: criteria provided, single submitter. Criteria: Ambry Variant Classification Scheme 2023. Collection method: clinical testing. Allele origin: germline.

Color Diagnostics, LLC DBA Color Health
Classification: Likely benign for Hereditary cancer-predisposing syndrome. Last evaluated: 2016-04-21. Review status: criteria provided, single submitter. Criteria: ACMG Guidelines, 2015. Collection method: clinical testing. Allele origin: germline.

NM_000455.5(STK11):c.936A>G (p.Lys312=)

Gene: STK11 (serine/threonine kinase 11; plus strand). Cytogenetic location: 19p13.3.
Variant type: single nucleotide variant.
Coding change: c.936A>G on transcript NM_000455.5 (MANE Select); coding-DNA position 936, A replaced by G.
Protein change: p.Lys312=; no amino-acid change (lysine 312 retained).
Molecular consequence: synonymous variant.
Genome position (GRCh38, 1-based): chr19:1,223,000, A>G. VCF-style: chr19-1223000-A-G. GRCh37 (hg19) VCF-style: chr19-1222999-A-G.
Identifiers: ClinVar variation 184853 (VCV000184853.18), dbSNP rs786201739, ClinGen allele CA023365.